The following is an entry in ClinVar:

ClinVar aggregate classification (germline): Uncertain significance. Review status: criteria provided, multiple submitters, no conflicts (2 of 4 stars). 2 submissions from 2 submitters: Uncertain significance (2). Last evaluated 2019-12-16.

Conditions:
Noonan syndrome 9 (NS9). Identifiers: Orphanet 648, MedGen C4225282, MONDO:0014691, OMIM 616559.

Allele frequency attached by ClinVar (database versions not stated): gnomAD exomes below 0.00001; ExAC 0.00001.
gnomAD v4.1: 1 of 1,612,050 alleles (0.000062%); highest among the groups gnomAD compares: South Asian, 0.0011%; no homozygotes.

Submissions (2):

Revvity Omics, Revvity
Classification: Uncertain significance for Noonan syndrome 9. Last evaluated: 2019-12-16. Review status: criteria provided, single submitter. Criteria: ACMG Guidelines, 2015. Collection method: clinical testing. Allele origin: germline.

Neuberg Centre For Genomic Medicine, NCGM
Classification: Uncertain significance for Noonan syndrome 9. Review status: criteria provided, single submitter. Criteria: ACMG Guidelines, 2015. Collection method: clinical testing. Allele origin: germline. Inheritance: Autosomal dominant inheritance. Affected: yes.
Comment: The observed missense variant c.1141C>G(p.Leu381Val) in the SOS2 gene has not been reported previously as a pathogenic variant nor as a benign variant, to our knowledge. This variant is reported with the allele frequency 0.004% in the gnomAD Exomes. This variant has been reported to the ClinVar database as Uncertain Significance. However, no details are available for independent assessment. The amino acid Leu at position 381 is changed to a Val changing protein sequence and it might alter its composition and physico- chemical properties. Computational evidence (Polyphen - Benign, SIFT - Tolerated and MutationTaster - Disease causing) predicts conflicting evidence on protein structure and function for this variant. The residue is conserved by GERP++ and PhyloP across 100 vertebrates. For these reasons, this variant has been classified as Uncertain Significance.

NM_006939.4(SOS2):c.1141C>G (p.Leu381Val)

Gene: SOS2 (SOS Ras/Rho guanine nucleotide exchange factor 2; minus strand). Cytogenetic location: 14q21.3.
Variant type: single nucleotide variant.
Coding change: c.1141C>G on transcript NM_006939.4 (MANE Select); coding-DNA position 1141, C replaced by G.
Protein change: p.Leu381Val; replaces leucine 381 with valine.
Molecular consequence: missense variant.
Genome position (GRCh38, 1-based): chr14:50,161,537, G>C on the plus strand (C>G on the coding strand, the complement: SOS2 is on the minus strand). VCF-style: chr14-50161537-G-C. GRCh37 (hg19) VCF-style: chr14-50628255-G-C.
Other names: c.1042C>G, p.Leu348Val (NM_001411020.1); short protein forms L348V, L381V.
Identifiers: ClinVar variation 2436248 (VCV002436248.6), dbSNP rs765776650, ClinGen allele CA7177335.